The following is an entry in ClinVar:

NM_000168.6(GLI3):c.800A>C (p.His267Pro)

Gene: GLI3 (GLI family zinc finger 3; minus strand). Cytogenetic location: 7p14.1.
Variant type: single nucleotide variant.
Coding change: c.800A>C on transcript NM_000168.6 (MANE Select); coding-DNA position 800, A replaced by C.
Protein change: p.His267Pro; replaces histidine 267 with proline.
Molecular consequence: missense variant.
Genome position (GRCh38, 1-based): chr7:42,045,410, T>G on the plus strand (A>C on the coding strand, the complement: GLI3 is on the minus strand). VCF-style: chr7-42045410-T-G. GRCh37 (hg19) VCF-style: chr7-42085009-T-G.
Other names: short protein forms H267P.
Identifiers: ClinVar variation 1695642 (VCV001695642.2), dbSNP rs2128741190, ClinGen allele CA367330799.
Genomic context (GRCh38, chr7:42,045,410, plus strand): 5'-TCCCAAGACTCTAGAAACCAGCCCCGTCACTTACTATCCATAGCATGAAGATATTCCATG[T>G]GGATGGCCCCCGTGCCGGCGGTGGCAGCTGAGGGAATAATGTCTGCATAGGGGCTGCGCT-3'
Protein context (NP_000159.3, residues 257-277): SAATAGTGAI[His267Pro]MEYLHAMDST

ClinVar aggregate classification (germline): Uncertain significance (1 of 4 stars; one submission).

Submission:

GeneDx
Classification: Uncertain significance. Last evaluated: 2022-01-06. Review status: criteria provided, single submitter. Criteria: GeneDx Variant Classification Process June 2021. Collection method: clinical testing. Allele origin: germline. Affected: yes.
Comment: Not observed at significant frequency in large population cohorts (gnomAD); In silico analysis supports that this missense variant has a deleterious effect on protein structure/function; Has not been previously published as pathogenic or benign to our knowledge